The following is an entry in ClinVar:

ClinVar aggregate classification (germline): Uncertain significance (1 of 4 stars; one submission).

Conditions:
Neonatal-onset encephalopathy with rigidity and seizures. Also called: Lethal neonatal spasticity-epileptic encephalopathy syndrome. Identifiers: Orphanet 435845, MedGen C3281029, MONDO:0013784, OMIM 614498.

Allele frequency attached by ClinVar (database versions not stated): TOPMed below 0.00001.

Submission:

Labcorp Genetics (formerly Invitae), Labcorp
Classification: Uncertain significance for Neonatal-onset encephalopathy with rigidity and seizures. Last evaluated: 2020-01-16. Review status: criteria provided, single submitter. Criteria: Invitae Variant Classification Sherloc (09022015). Collection method: clinical testing. Allele origin: germline.
Comment: This sequence change replaces arginine with threonine at codon 740 of the BRAT1 protein (p.Arg740Thr). The arginine residue is weakly conserved and there is a moderate physicochemical difference between arginine and threonine. This variant is not present in population databases (ExAC no frequency). This variant has not been reported in the literature in individuals with BRAT1-related conditions. Algorithms developed to predict the effect of missense changes on protein structure and function (SIFT, PolyPhen-2, Align-GVGD) all suggest that this variant is likely to be tolerated, but these predictions have not been confirmed by published functional studies and their clinical significance is uncertain. In summary, the available evidence is currently insufficient to determine the role of this variant in disease. Therefore, it has been classified as a Variant of Uncertain Significance.

NM_152743.4(BRAT1):c.2219G>C (p.Arg740Thr)

Gene: BRAT1 (BRCA1 associated ATM activator 1; minus strand). Cytogenetic location: 7p22.3.
Variant type: single nucleotide variant.
Coding change: c.2219G>C on transcript NM_152743.4 (MANE Select); coding-DNA position 2219, G replaced by C.
Protein change: p.Arg740Thr; replaces arginine 740 with threonine.
Molecular consequence: missense variant. On other transcripts: non-coding transcript variant (1).
Genome position (GRCh38, 1-based): chr7:2,538,316, C>G on the plus strand (G>C on the coding strand, the complement: BRAT1 is on the minus strand). VCF-style: chr7-2538316-C-G. GRCh37 (hg19) VCF-style: chr7-2577950-C-G.
Other names: c.2399G>C, p.Arg800Thr (NM_001350626.2); c.1694G>C, p.Arg565Thr (NM_001350627.2); short protein forms R565T, R740T, R800T.
Identifiers: ClinVar variation 1052488 (VCV001052488.8), dbSNP rs921871387, ClinGen allele CA152664438.
Genomic context (GRCh38, chr7:2,538,316, plus strand): 5'-TGCTCACCCGCCCGCCACCTCGGCAGGGTGGCCTCTGCGGAGGCAGTGTTGGGGCTGCCC[C>G]TGGCCTCCCGCAGGCTGCTGTAGGAAGCAATCTTGTCCCTCAGGAAGAGAAGGAGGTCAC-3'
Protein context (NP_689956.2, residues 730-750): IASYSSLREA[Arg740Thr]GSPNTASAEA